The following is an entry in ClinVar:

NM_000814.5(GABRB3):c.-806G>T

Gene: GABRB3 (gamma-aminobutyric acid type A receptor subunit beta3; minus strand). Cytogenetic location: 15q12.
Variant type: single nucleotide variant.
Coding change: c.-806G>T on transcript NM_000814.5; 806 bases upstream of the start codon, G replaced by T.
Genome position (GRCh38, 1-based): chr15:26,773,768, C>A on the plus strand (G>T on the coding strand, the complement: GABRB3 is on the minus strand). VCF-style: chr15-26773768-C-A. GRCh37 (hg19) VCF-style: chr15-27018915-C-A.
Identifiers: ClinVar variation 516966 (VCV000516966.3), dbSNP rs372201190, ClinGen allele CA7437630.
Genomic context (GRCh38, chr15:26,773,768, plus strand): 5'-AGGAGCCCGGAGCACATGGCGCTGTTCCTCCGGCCTAACCTGCTGGGATCCGCTCTCCCC[C>A]CTACTCTCCGAGCAGCCAAACGGCGACGCAGGGATCCCCGCCCCTACCCCCACCCCCACC-3'

ClinVar aggregate classification (germline): Likely benign (1 of 4 stars; one submission).

Allele frequency attached by ClinVar (database versions not stated): ESP Exome Variant Server 0.00041; TOPMed 0.00099; 1000 Genomes Project 0.00200; 1000 Genomes Project 30x 0.00234.

Submission:

GeneDx
Classification: Likely benign. Last evaluated: 2017-06-13. Review status: criteria provided, single submitter. Criteria: GeneDx Variant Classification (06012015). Collection method: clinical testing. Allele origin: germline. Affected: yes.
Comment: This variant is considered likely benign or benign based on one or more of the following criteria: it is a conservative change, it occurs at a poorly conserved position in the protein, it is predicted to be benign by multiple in silico algorithms, and/or has population frequency not consistent with disease.